The following is an entry in ClinVar:

ClinVar aggregate classification (germline): Uncertain significance. Review status: criteria provided, multiple submitters, no conflicts (2 of 4 stars). 2 submissions from 2 submitters: Uncertain significance (2). Last evaluated 2026-01-22.

Allele frequency attached by ClinVar (database versions not stated): ExAC 0.00001; gnomAD 0.00001; TOPMed 0.00003.
gnomAD v4.1: 2 of 1,612,720 alleles (0.00012%); highest among the groups gnomAD compares: African/African-American, 0.0027%; no homozygotes.

Submissions (2):

Labcorp Genetics (formerly Invitae), Labcorp
Classification: Uncertain significance. Last evaluated: 2026-01-22. Review status: criteria provided, single submitter. Criteria: Invitae Variant Classification Sherloc (09022015). Collection method: clinical testing. Allele origin: germline.
Comment: This sequence change replaces methionine, which is neutral and non-polar, with threonine, which is neutral and polar, at codon 643 of the XPO5 protein (p.Met643Thr). This variant is present in population databases (rs748325364, gnomAD 0.007%). This variant has not been reported in the literature in individuals affected with XPO5-related conditions. ClinVar contains an entry for this variant (Variation ID: 2222195). An algorithm developed to predict the effect of missense changes on protein structure and function (PolyPhen-2) suggests that this variant is likely to be disruptive. In summary, the available evidence is currently insufficient to determine the role of this variant in disease. Therefore, it has been classified as a Variant of Uncertain Significance.

Ambry Genetics
Classification: Uncertain significance. Last evaluated: 2021-12-07. Review status: criteria provided, single submitter. Criteria: Ambry Variant Classification Scheme 2023. Collection method: clinical testing. Allele origin: germline.

NM_020750.3(XPO5):c.1928T>C (p.Met643Thr)

Genes: POLR1C (RNA polymerase I and III subunit C; plus strand), XPO5 (exportin 5; minus strand). Cytogenetic location: 6p21.1.
Variant type: single nucleotide variant.
Coding change: c.1928T>C on transcript NM_020750.3 (MANE Select); coding-DNA position 1928, T replaced by C.
Protein change: p.Met643Thr; replaces methionine 643 with threonine.
Molecular consequence: missense variant. On other transcripts: non-coding transcript variant (1), intron variant (1).
Genome position (GRCh38, 1-based): chr6:43,548,393, A>G on the plus strand (T>C on the coding strand, the complement: XPO5 is on the minus strand). VCF-style: chr6-43548393-A-G. GRCh37 (hg19) VCF-style: chr6-43516130-A-G.
Other names: c.923-2575A>G (NM_001363658.2); short protein forms M643T.
Identifiers: ClinVar variation 2222195 (VCV002222195.2), dbSNP rs748325364, ClinGen allele CA3826278.
Genomic context (GRCh38, chr6:43,548,393, plus strand): 5'-TCGTAGTTCTTAAATTGGTTGCTAATGAGAACCAGGGCTTCCATGAGGGCACACTTCTCC[A>G]TTTGTGTCAGGAGTAGCTCATTGGAGAGGAGTTGCTTCACATGGTTATAAAGCATGTCAA-3'
Protein context (NP_065801.1, residues 633-653): LLSNELLLTQ[Met643Thr]EKCALMEALV